The following is an entry in ClinVar:

NM_001849.4(COL6A2):c.2560C>T (p.Arg854Cys)

Gene: COL6A2 (collagen type VI alpha 2 chain; plus strand). Cytogenetic location: 21q22.3.
Variant type: single nucleotide variant.
Coding change: c.2560C>T on transcript NM_001849.4 (MANE Select); coding-DNA position 2560, C replaced by T.
Protein change: p.Arg854Cys; replaces arginine 854 with cysteine.
Molecular consequence: missense variant.
Genome position (GRCh38, 1-based): chr21:46,132,052, C>T. VCF-style: chr21-46132052-C-T. GRCh37 (hg19) VCF-style: chr21-47551966-C-T.
Other names: short protein forms R854C.
Identifiers: ClinVar variation 936612 (VCV000936612.10), dbSNP rs775590810, ClinGen allele CA10072926.

ClinVar aggregate classification (germline): Uncertain significance. Review status: criteria provided, multiple submitters, no conflicts (2 of 4 stars). 3 submissions from 3 submitters: Uncertain significance (3). Last evaluated 2025-01-16.

Conditions:
Bethlem myopathy 1A. Also called: Bethlem Muscular Dystrophy; MYOPATHY, BENIGN CONGENITAL, WITH CONTRACTURES; Bethlem myopathy 1. Identifiers: Orphanet 610, MedGen CN029274, MONDO:0024530, OMIM 158810.
Inborn genetic diseases. Identifiers: MedGen C0950123, MeSH D030342.

Allele frequency attached by ClinVar (database versions not stated): ExAC 0.00001; gnomAD exomes 0.00001; TOPMed 0.00001.
gnomAD v4.1: 40 of 1,607,366 alleles (0.0025%); highest among the groups gnomAD compares: Non-Finnish European, 0.0032%; no homozygotes.

Submissions (3):

Ambry Genetics
Classification: Uncertain significance for Inborn genetic diseases. Last evaluated: 2025-01-16. Review status: criteria provided, single submitter. Criteria: Ambry Variant Classification Scheme 2023. Collection method: clinical testing. Allele origin: germline.

Blueprint Genetics
Classification: Uncertain significance. Last evaluated: 2024-10-29. Review status: criteria provided, single submitter. Criteria: ACMG Guidelines, 2015. Collection method: clinical testing. Allele origin: germline.

Labcorp Genetics (formerly Invitae), Labcorp
Classification: Uncertain significance for Bethlem myopathy 1A. Last evaluated: 2023-12-06. Review status: criteria provided, single submitter. Criteria: Invitae Variant Classification Sherloc (09022015). Collection method: clinical testing. Allele origin: germline.
Comment: This sequence change replaces arginine, which is basic and polar, with cysteine, which is neutral and slightly polar, at codon 854 of the COL6A2 protein (p.Arg854Cys). The frequency data for this variant in the population databases is considered unreliable, as metrics indicate poor data quality at this position in the gnomAD database. This variant has not been reported in the literature in individuals affected with COL6A2-related conditions. ClinVar contains an entry for this variant (Variation ID: 936612). Advanced modeling of protein sequence and biophysical properties (such as structural, functional, and spatial information, amino acid conservation, physicochemical variation, residue mobility, and thermodynamic stability) performed at Invitae indicates that this missense variant is not expected to disrupt COL6A2 protein function with a negative predictive value of 80%. In summary, the available evidence is currently insufficient to determine the role of this variant in disease. Therefore, it has been classified as a Variant of Uncertain Significance.